The following is an entry in ClinVar:

ClinVar aggregate classification (germline): Uncertain significance (1 of 4 stars; one submission).

Submission:

Quest Diagnostics Nichols Institute San Juan Capistrano
Classification: Uncertain significance. Last evaluated: 2024-01-19. Review status: criteria provided, single submitter. Criteria: Quest Diagnostics criteria. Collection method: clinical testing. Allele origin: unknown.
Comment: The CFTR c.744-17_744-6del variant (also known as IVS6GATT[4]) has been reported in the published literature in an individual affected with pancreatic-insufficient cystic fibrosis who also carried the p.Phe508del (also known as DeltaF508) variant (PMID: 7683952 (1993)). This variant was also identified in reportedly healthy individuals (PMIDs: 11104661 (2001), 20233062 (2010)). Studies of related variants (i.e. GATT[7] and GATT[6]) have observed minor aberrations in the splicing of exon 7 (PMIDs: 26075213 (2015), 35988290 (2022)). The frequency of the GATT[4] variant in the general population, 0.00072 (9/12522 chromosomes (Genome Aggregation Database)), is uninformative in the assessment of its pathogenicity. Analysis of this variant using software algorithms for the prediction of the effect of nucleotide changes on CFTR mRNA splicing yielded inconclusive findings. Based on the available information, we are unable to determine the clinical significance of this variant.

Literature cited by the submitters: PubMed 7683952; PubMed 35988290; PubMed 20233062; PubMed 26075213; PubMed 11104661.

NM_000492.4(CFTR):c.744-33GATT[4]

Gene: CFTR (CF transmembrane conductance regulator; plus strand). Cytogenetic location: 7q31.2.
Variant type: Microsatellite.
Coding change: c.744-33GATT[4] on transcript NM_000492.4 (MANE Select); four copies in a row of the 4-base unit GATT starting at c.744-33; the reference has seven copies in a row; three copies, 12 bases deleted.
Molecular consequence: intron variant.
Genome position (GRCh38, 1-based): chr7:117,536,531-117,536,542, GATTGATTGATT deleted; deleting any 12 consecutive bases within chr7:117,536,515-117,536,542 gives the same sequence; the position shown is the placement nearest the transcript's 3' end. VCF-style (leftmost placement, unchanged base first): chr7-117536514-AGATTGATTGATT-A. GRCh37 (hg19) VCF-style: chr7-117176568-AGATTGATTGATT-A.
Identifiers: ClinVar variation 3572101 (VCV003572101.1).